The following is an entry in ClinVar:

NM_006208.3(ENPP1):c.383A>T (p.Glu128Val)

Gene: ENPP1 (ectonucleotide pyrophosphatase/phosphodiesterase 1; plus strand). Cytogenetic location: 6q23.2.
Variant type: single nucleotide variant.
Coding change: c.383A>T on transcript NM_006208.3 (MANE Select); coding-DNA position 383, A replaced by T.
Protein change: p.Glu128Val; replaces glutamic acid 128 with valine.
Molecular consequence: missense variant.
Genome position (GRCh38, 1-based): chr6:131,850,059, A>T. VCF-style: chr6-131850059-A-T. GRCh37 (hg19) VCF-style: chr6-132171199-A-T.
Other names: short protein forms E128V.
Identifiers: ClinVar variation 1714588 (VCV001714588.5), dbSNP rs1781861477, ClinGen allele CA365659864.

ClinVar aggregate classification (germline): Uncertain significance (1 of 4 stars; one submission).

Submission:

Labcorp Genetics (formerly Invitae), Labcorp
Classification: Uncertain significance. Last evaluated: 2022-11-15. Review status: criteria provided, single submitter. Criteria: Invitae Variant Classification Sherloc (09022015). Collection method: clinical testing. Allele origin: germline.
Comment: This variant has not been reported in the literature in individuals affected with ENPP1-related conditions. This variant is not present in population databases (gnomAD no frequency). This sequence change replaces glutamic acid, which is acidic and polar, with valine, which is neutral and non-polar, at codon 128 of the ENPP1 protein (p.Glu128Val). In summary, the available evidence is currently insufficient to determine the role of this variant in disease. Therefore, it has been classified as a Variant of Uncertain Significance. Advanced modeling of protein sequence and biophysical properties (such as structural, functional, and spatial information, amino acid conservation, physicochemical variation, residue mobility, and thermodynamic stability) performed at Invitae indicates that this missense variant is not expected to disrupt ENPP1 protein function.